The following is an entry in ClinVar:

NM_022765.4(MICAL1):c.663A>G (p.Lys221=)

Gene: MICAL1 (microtubule associated monooxygenase, calponin and LIM domain containing 1; minus strand). Cytogenetic location: 6q21.
Variant type: single nucleotide variant.
Coding change: c.663A>G on transcript NM_022765.4 (MANE Select); coding-DNA position 663, A replaced by G.
Protein change: p.Lys221=; no amino-acid change (lysine 221 retained).
Molecular consequence: synonymous variant.
Genome position (GRCh38, 1-based): chr6:109,452,524, T>C on the plus strand (A>G on the coding strand, the complement: MICAL1 is on the minus strand). VCF-style: chr6-109452524-T-C. GRCh37 (hg19) VCF-style: chr6-109773727-T-C.
Other names: c.663A>G, p.Lys221= (NM_001159291.2); c.720A>G, p.Lys240= (NM_001286613.2).
Identifiers: ClinVar variation 4777445 (VCV004777445.1).

ClinVar aggregate classification (germline): Uncertain significance (1 of 4 stars; one submission).

gnomAD v4.1: 1 of 1,613,940 alleles (0.000062%); highest among the groups gnomAD compares: African/African-American, 0.0013%; no homozygotes.

Submission:

Labcorp Genetics (formerly Invitae), Labcorp
Classification: Uncertain significance. Last evaluated: 2025-05-10. Review status: criteria provided, single submitter. Criteria: Invitae Variant Classification Sherloc (09022015). Collection method: clinical testing. Allele origin: germline.
Comment: This sequence change affects codon 240 of the MICAL1 mRNA. It is a 'silent' change, meaning that it does not change the encoded amino acid sequence of the MICAL1 protein. This variant is not present in population databases (gnomAD no frequency). This variant has not been reported in the literature in individuals affected with MICAL1-related conditions. Algorithms developed to predict the effect of sequence changes on RNA splicing suggest that this variant may disrupt the consensus splice site. In summary, the available evidence is currently insufficient to determine the role of this variant in disease. Therefore, it has been classified as a Variant of Uncertain Significance.